The following is an entry in ClinVar:

ClinVar aggregate classification (germline): Uncertain significance (1 of 4 stars; one submission).

Conditions:
Temtamy syndrome (TEMTYS). Also called: MENTAL RETARDATION WITH OR WITHOUT CRANIOFACIAL DYSMORPHISM, OCULAR COLOBOMA, OR ABNORMAL CORPUS CALLOSUM. Identifiers: Orphanet 1777, MedGen C1857512, MONDO:0009033, OMIM 218340.

Allele frequency attached by ClinVar (database versions not stated): TOPMed below 0.00001.
gnomAD v4.1: 6 of 1,614,202 alleles (0.00037%); highest among the groups gnomAD compares: Admixed American, 0.0017%; no homozygotes.

Submission:

Labcorp Genetics (formerly Invitae), Labcorp
Classification: Uncertain significance for Temtamy syndrome. Last evaluated: 2024-05-15. Review status: criteria provided, single submitter. Criteria: Invitae Variant Classification Sherloc (09022015). Collection method: clinical testing. Allele origin: germline.
Comment: This sequence change replaces alanine, which is neutral and non-polar, with threonine, which is neutral and polar, at codon 16 of the C12orf57 protein (p.Ala16Thr). This variant is present in population databases (no rsID available, gnomAD 0.003%). This variant has not been reported in the literature in individuals affected with C12orf57-related conditions. ClinVar contains an entry for this variant (Variation ID: 571619). An algorithm developed to predict the effect of missense changes on protein structure and function (PolyPhen-2) suggests that this variant¬†is likely to be tolerated. In summary, the available evidence is currently insufficient to determine the role of this variant in disease. Therefore, it has been classified as a Variant of Uncertain Significance.

NM_138425.4(C12orf57):c.46G>A (p.Ala16Thr)

Gene: C12orf57 (chromosome 12 open reading frame 57; plus strand). Cytogenetic location: 12p13.31.
Variant type: single nucleotide variant.
Coding change: c.46G>A on transcript NM_138425.4 (MANE Select); coding-DNA position 46, G replaced by A.
Protein change: p.Ala16Thr; replaces alanine 16 with threonine.
Molecular consequence: missense variant. On other transcripts: 5 prime UTR variant (1), non-coding transcript variant (1), intron variant (1).
Genome position (GRCh38, 1-based): chr12:6,944,167, G>A. VCF-style: chr12-6944167-G-A. GRCh37 (hg19) VCF-style: chr12-7053330-G-A.
Other names: c.46G>A, p.Ala16Thr (NM_001301834.1, NM_001301837.2); c.-156G>A (NM_001301838.2); c.14-309G>A (NM_001301836.2); short protein forms A16T.
Identifiers: ClinVar variation 571619 (VCV000571619.5), dbSNP rs782651043, ClinGen allele CA383744239.